The following is an entry in ClinVar:

ClinVar aggregate classification (germline): Uncertain significance. Review status: criteria provided, multiple submitters, no conflicts (2 of 4 stars). 2 submissions from 2 submitters: Uncertain significance (2). Last evaluated 2025-04-08.

Conditions:
Inborn genetic diseases. Identifiers: MedGen C0950123, MeSH D030342.
Charcot-Marie-Tooth disease type 4. Also called: Charcot-Marie-Tooth disease, type IV; Charcot-Marie-Tooth, Type 4. Identifiers: Orphanet 64749, MedGen C4082197, MONDO:0018995.

Allele frequency attached by ClinVar (database versions not stated): gnomAD 0.00001; ExAC 0.00003; TOPMed 0.00005.
gnomAD v4.1: 23 of 1,610,746 alleles (0.0014%); highest among the groups gnomAD compares: Admixed American, 0.022%; no homozygotes.

Submissions (2):

Ambry Genetics
Classification: Uncertain significance for Inborn genetic diseases. Last evaluated: 2025-04-08. Review status: criteria provided, single submitter. Criteria: Ambry Variant Classification Scheme 2023. Collection method: clinical testing. Allele origin: germline.

Labcorp Genetics (formerly Invitae), Labcorp
Classification: Uncertain significance for Charcot-Marie-Tooth disease type 4. Last evaluated: 2022-07-11. Review status: criteria provided, single submitter. Criteria: Invitae Variant Classification Sherloc (09022015). Collection method: clinical testing. Allele origin: germline.
Comment: This sequence change replaces isoleucine, which is neutral and non-polar, with valine, which is neutral and non-polar, at codon 618 of the FGD4 protein (p.Ile618Val). This variant is present in population databases (rs764635514, gnomAD 0.03%). This variant has not been reported in the literature in individuals affected with FGD4-related conditions. ClinVar contains an entry for this variant (Variation ID: 1505164). Algorithms developed to predict the effect of missense changes on protein structure and function (SIFT, PolyPhen-2, Align-GVGD) all suggest that this variant is likely to be tolerated. Algorithms developed to predict the effect of sequence changes on RNA splicing suggest that this variant may create or strengthen a splice site. In summary, the available evidence is currently insufficient to determine the role of this variant in disease. Therefore, it has been classified as a Variant of Uncertain Significance.

NM_001370298.3(FGD4):c.2263A>G (p.Ile755Val)

Gene: FGD4 (FYVE, RhoGEF and PH domain containing 4; plus strand). Cytogenetic location: 12p11.21.
Variant type: single nucleotide variant.
Coding change: c.2263A>G on transcript NM_001370298.3 (MANE Select); coding-DNA position 2263, A replaced by G.
Protein change: p.Ile755Val; replaces isoleucine 755 with valine.
Molecular consequence: missense variant.
Genome position (GRCh38, 1-based): chr12:32,633,639, A>G. VCF-style: chr12-32633639-A-G. GRCh37 (hg19) VCF-style: chr12-32786573-A-G.
Other names: c.2107A>G, p.Ile703Val (NM_001304481.2); c.1108A>G, p.Ile370Val (NM_001304483.2); c.820A>G, p.Ile274Val (NM_001304484.2); c.1573A>G, p.Ile525Val (NM_001330373.2, NM_001330374.2, NM_001384130.1); c.1300A>G, p.Ile434Val (NM_001370297.1); c.2263A>G, p.Ile755Val (NM_001384126.1); c.1852A>G, p.Ile618Val (NM_001384127.1, NM_001384128.1, NM_001385118.1 and 1 more transcripts); c.1852A>G (NM_139241.2); short protein forms I370V, I525V, I618V, I434V, I703V, I755V, I274V.
Identifiers: ClinVar variation 1505164 (VCV001505164.7), dbSNP rs764635514, ClinGen allele CA6507027.